The following is an entry in ClinVar:

ClinVar aggregate classification (germline): Uncertain significance. Review status: criteria provided, multiple submitters, no conflicts (2 of 4 stars). 3 submissions from 3 submitters: Uncertain significance (3). Last evaluated 2025-06-29.

Conditions:
Hereditary cancer-predisposing syndrome. Also called: Hereditary Cancer Syndrome; Neoplastic Syndromes, Hereditary; Tumor predisposition; Hereditary neoplastic syndrome. Identifiers: Orphanet 140162, MedGen C0027672, MeSH D009386, MONDO:0015356.
BAP1-related tumor predisposition syndrome (TPDS1). Also called: Tumor susceptibility linked to germline BAP1 mutations; BAP1 tumor predisposition syndrome; COMMON Syndrome; TUMOR PREDISPOSITION SYNDROME 1. Identifiers: Orphanet 289539, MedGen C3280492, MONDO:0013692, OMIM 614327.

Submissions (3):

Labcorp Genetics (formerly Invitae), Labcorp
Classification: Uncertain significance for BAP1-related tumor predisposition syndrome. Last evaluated: 2025-06-29. Review status: criteria provided, single submitter. Criteria: Invitae Variant Classification Sherloc (09022015). Collection method: clinical testing. Allele origin: germline.
Comment: This sequence change replaces alanine, which is neutral and non-polar, with valine, which is neutral and non-polar, at codon 549 of the BAP1 protein (p.Ala549Val). This variant is not present in population databases (gnomAD no frequency). This variant has not been reported in the literature in individuals affected with BAP1-related conditions. ClinVar contains an entry for this variant (Variation ID: 490801). Invitae Evidence Modeling of protein sequence and biophysical properties (such as structural, functional, and spatial information, amino acid conservation, physicochemical variation, residue mobility, and thermodynamic stability) indicates that this missense variant is not expected to disrupt BAP1 protein function with a negative predictive value of 80%. In summary, the available evidence is currently insufficient to determine the role of this variant in disease. Therefore, it has been classified as a Variant of Uncertain Significance.

Ambry Genetics
Classification: Uncertain significance for Hereditary cancer-predisposing syndrome. Last evaluated: 2024-02-01. Review status: criteria provided, single submitter. Criteria: Ambry Variant Classification Scheme 2023. Collection method: clinical testing. Allele origin: germline.
Comment: The p.A549V variant (also known as c.1646C>T), located in coding exon 13 of the BAP1 gene, results from a C to T substitution at nucleotide position 1646. The alanine at codon 549 is replaced by valine, an amino acid with similar properties. This amino acid position is highly conserved in available vertebrate species. In addition, the in silico prediction for this alteration is inconclusive. Based on the available evidence, the clinical significance of this alteration remains unclear.

Color Diagnostics, LLC DBA Color Health
Classification: Uncertain significance for Hereditary cancer-predisposing syndrome. Last evaluated: 2023-12-05. Review status: criteria provided, single submitter. Criteria: ACMG Guidelines, 2015. Collection method: clinical testing. Allele origin: germline.
Comment: This missense variant replaces alanine with valine at codon 549 of the BAP1 protein. Computational prediction suggests that this variant may not impact protein structure and function (internally defined REVEL score threshold <= 0.5, PMID: 27666373). To our knowledge, functional studies have not been reported for this variant. This variant has not been reported in individuals affected with BAP1-related disorders in the literature. This variant has not been identified in the general population by the Genome Aggregation Database (gnomAD). The available evidence is insufficient to determine the role of this variant in disease conclusively. Therefore, this variant is classified as a Variant of Uncertain Significance.

NM_004656.4(BAP1):c.1646C>T (p.Ala549Val)

Gene: BAP1 (BRCA1 associated deubiquitinase 1; minus strand). Cytogenetic location: 3p21.1.
Variant type: single nucleotide variant.
Coding change: c.1646C>T on transcript NM_004656.4 (MANE Select); coding-DNA position 1646, C replaced by T.
Protein change: p.Ala549Val; replaces alanine 549 with valine.
Molecular consequence: missense variant.
Genome position (GRCh38, 1-based): chr3:52,403,499, G>A on the plus strand (C>T on the coding strand, the complement: BAP1 is on the minus strand). VCF-style: chr3-52403499-G-A. GRCh37 (hg19) VCF-style: chr3-52437515-G-A.
Other names: short protein forms A549V.
Identifiers: ClinVar variation 490801 (VCV000490801.13), dbSNP rs1553644842, ClinGen allele CA353100101.